The following is an entry in ClinVar:

NM_018127.7(ELAC2):c.593A>G (p.Gln198Arg)

Gene: ELAC2 (elaC ribonuclease Z 2; minus strand). Cytogenetic location: 17p12.
Variant type: single nucleotide variant.
Coding change: c.593A>G on transcript NM_018127.7 (MANE Select); coding-DNA position 593, A replaced by G.
Protein change: p.Gln198Arg; replaces glutamine 198 with arginine.
Molecular consequence: missense variant. On other transcripts: intron variant (1).
Genome position (GRCh38, 1-based): chr17:13,011,749, T>C on the plus strand (A>G on the coding strand, the complement: ELAC2 is on the minus strand). VCF-style: chr17-13011749-T-C. GRCh37 (hg19) VCF-style: chr17-12915066-T-C.
Other names: c.593A>G, p.Gln198Arg (NM_173717.2); c.560-1078A>G (NM_001165962.2); short protein forms Q198R.
Identifiers: ClinVar variation 1980356 (VCV001980356.2), dbSNP rs568542622, ClinGen allele CA8401578.

ClinVar aggregate classification (germline): Uncertain significance (1 of 4 stars; one submission).

Conditions:
Combined oxidative phosphorylation defect type 17. Also called: Combined oxidative phosphorylation deficiency 17. Identifiers: Orphanet 369913, MedGen C3809526, MONDO:0014190, OMIM 615440.

Allele frequency attached by ClinVar (database versions not stated): gnomAD 0.00001; gnomAD exomes 0.00001; TOPMed 0.00001; ExAC 0.00002; 1000 Genomes Project 30x 0.00016; 1000 Genomes Project 0.00020.
gnomAD v4.1: 5 of 1,614,232 alleles (0.00031%); highest among the groups gnomAD compares: Admixed American, 0.0033%; no homozygotes.

Submission:

Labcorp Genetics (formerly Invitae), Labcorp
Classification: Uncertain significance for Combined oxidative phosphorylation defect type 17. Last evaluated: 2022-03-28. Review status: criteria provided, single submitter. Criteria: Invitae Variant Classification Sherloc (09022015). Collection method: clinical testing. Allele origin: germline.
Comment: This variant has not been reported in the literature in individuals affected with ELAC2-related conditions. In summary, the available evidence is currently insufficient to determine the role of this variant in disease. Therefore, it has been classified as a Variant of Uncertain Significance. Algorithms developed to predict the effect of missense changes on protein structure and function (SIFT, PolyPhen-2, Align-GVGD) all suggest that this variant is likely to be tolerated. This variant is present in population databases (rs568542622, gnomAD 0.01%). This sequence change replaces glutamine, which is neutral and polar, with arginine, which is basic and polar, at codon 198 of the ELAC2 protein (p.Gln198Arg).